The following is an entry in ClinVar:

ClinVar aggregate classification (germline): Uncertain significance. Review status: criteria provided, multiple submitters, no conflicts (2 of 4 stars). 2 submissions from 2 submitters: Uncertain significance (2). Last evaluated 2026-07-07.

Conditions:
Gorlin syndrome. Also called: Nevoid Basal Cell Carcinoma Syndrome; Basal cell nevus syndrome. Identifiers: Orphanet 377, MedGen C0004779, MONDO:0007187.
Hereditary cancer-predisposing syndrome. Also called: Hereditary Cancer Syndrome; Hereditary neoplastic syndrome; Neoplastic Syndromes, Hereditary; Tumor predisposition. Identifiers: Orphanet 140162, MedGen C0027672, MeSH D009386, MONDO:0015356.

Submissions (2):

Ambry Genetics
Classification: Uncertain significance for Hereditary cancer-predisposing syndrome. Last evaluated: 2026-07-07. Review status: criteria provided, single submitter. Criteria: Ambry Variant Classification Scheme 2023. Collection method: clinical testing. Allele origin: germline.
Comment: The p.D745N variant (also known as c.2233G>A), located in coding exon 15 of the PTCH1 gene, results from a G to A substitution at nucleotide position 2233. The aspartic acid at codon 745 is replaced by asparagine, an amino acid with highly similar properties. This amino acid position is conserved. In addition, this alteration is predicted to be tolerated by in silico analysis. Based on the available evidence, the clinical significance of this variant remains unclear.

Labcorp Genetics (formerly Invitae), Labcorp
Classification: Uncertain significance for Gorlin syndrome. Last evaluated: 2025-10-07. Review status: criteria provided, single submitter. Criteria: Invitae Variant Classification Sherloc (09022015). Collection method: clinical testing. Allele origin: germline.
Comment: This sequence change replaces aspartic acid, which is acidic and polar, with asparagine, which is neutral and polar, at codon 811 of the PTCH1 protein (p.Asp811Asn). This variant is not present in population databases (gnomAD no frequency). This variant has not been reported in the literature in individuals affected with PTCH1-related conditions. Invitae Evidence Modeling of protein sequence and biophysical properties (such as structural, functional, and spatial information, amino acid conservation, physicochemical variation, residue mobility, and thermodynamic stability) has been performed for this missense variant. However, the output from this modeling did not meet the statistical confidence thresholds required to predict the impact of this variant on PTCH1 protein function. In summary, the available evidence is currently insufficient to determine the role of this variant in disease. Therefore, it has been classified as a Variant of Uncertain Significance.

NM_000264.5(PTCH1):c.2431G>A (p.Asp811Asn)

Genes: PTCH1 (patched 1; minus strand), LOC100507346 (uncharacterized LOC100507346; plus strand). Cytogenetic location: 9q22.32.
Variant type: single nucleotide variant.
Coding change: c.2431G>A on transcript NM_000264.5 (MANE Select); coding-DNA position 2431, G replaced by A.
Protein change: p.Asp811Asn; replaces aspartic acid 811 with asparagine.
Molecular consequence: missense variant. On other transcripts: non-coding transcript variant (1).
Genome position (GRCh38, 1-based): chr9:95,467,245, C>T on the plus strand (G>A on the coding strand, the complement: PTCH1 is on the minus strand). VCF-style: chr9-95467245-C-T. GRCh37 (hg19) VCF-style: chr9-98229527-C-T.
Other names: c.2233G>A, p.Asp745Asn (NM_001083602.3); c.2428G>A, p.Asp810Asn (NM_001083603.3); c.1978G>A, p.Asp660Asn (NM_001083604.3, NM_001083605.3, NM_001083606.3 and 1 more transcripts); c.2275G>A, p.Asp759Asn (NM_001354918.2); short protein forms D660N, D745N, D759N, D810N, D811N.
Identifiers: ClinVar variation 4801801 (VCV004801801.2).
Genomic context (GRCh38, chr9:95,467,245, plus strand): 5'-ACTTCACGTTACTGAAACTCCTGTGTAGGTCGTAAAGTAAGTGCTGGATATTCGGGTAGT[C>T]TGCTTTCTGGGTGACTATATACATGTTGTAGAAAGAAAAGTATTTGAATTGTGCAGCAAT-3'
Protein context (NP_000255.2, residues 801-821): YNMYIVTQKA[Asp811Asn]YPNIQHLLYD